The following is an entry in ClinVar:

NM_000211.5(ITGB2):c.58G>A (p.Val20Ile)

Gene: ITGB2 (integrin subunit beta 2; minus strand). Cytogenetic location: 21q22.3.
Variant type: single nucleotide variant.
Coding change: c.58G>A on transcript NM_000211.5 (MANE Select); coding-DNA position 58, G replaced by A.
Protein change: p.Val20Ile; replaces valine 20 with isoleucine.
Molecular consequence: missense variant. On other transcripts: 5 prime UTR variant (1).
Genome position (GRCh38, 1-based): chr21:44,910,725, C>T on the plus strand (G>A on the coding strand, the complement: ITGB2 is on the minus strand). VCF-style: chr21-44910725-C-T. GRCh37 (hg19) VCF-style: chr21-46330640-C-T.
Other names: c.58G>A, p.Val20Ile (NM_001127491.3); c.-193G>A (NM_001303238.2); short protein forms V20I.
Identifiers: ClinVar variation 937400 (VCV000937400.7), dbSNP rs111663308, ClinGen allele CA10063480.
Genomic context (GRCh38, chr21:44,910,725, plus strand): 5'-CCTGTTCTCCCTGATTGGAATGTCACGCGTGGAGTCCCCTCCGTGGAACACAGAACTCAC[C>T]GCACCCGAGGGAGAGCAGCCCCACCAGGGCGAGCAGTGGGGGGCGCAGGCCCAGCATGTC-3'
Protein context (NP_000202.3, residues 10-30): ALVGLLSLGC[Val20Ile]LSQECTKFKV

ClinVar aggregate classification (germline): Uncertain significance (1 of 4 stars; one submission).

Conditions:
Leukocyte adhesion deficiency 1 (LAD1). Also called: LEUKOCYTE ADHESION DEFICIENCY, TYPE I; LAD 1; Lymphocyte function-associated antigen 1 immunodeficiency; LFA 1 immunodeficiency. Identifiers: Orphanet 2968, Orphanet 99842, MedGen C0398738, MONDO:0007293, OMIM 116920.

Allele frequency attached by ClinVar (database versions not stated): gnomAD exomes 0.00002; TOPMed 0.00002.
gnomAD v4.1: 25 of 1,613,842 alleles (0.0015%); highest among the groups gnomAD compares: South Asian, 0.0022%; no homozygotes.

Submission:

Labcorp Genetics (formerly Invitae), Labcorp
Classification: Uncertain significance for Leukocyte adhesion deficiency 1. Last evaluated: 2022-02-28. Review status: criteria provided, single submitter. Criteria: Invitae Variant Classification Sherloc (09022015). Collection method: clinical testing. Allele origin: germline.
Comment: This sequence change replaces valine, which is neutral and non-polar, with isoleucine, which is neutral and non-polar, at codon 20 of the ITGB2 protein (p.Val20Ile). This variant also falls at the last nucleotide of exon 2, which is part of the consensus splice site for this exon. This variant is present in population databases (rs111663308, gnomAD 0.003%). This variant has not been reported in the literature in individuals affected with ITGB2-related conditions. ClinVar contains an entry for this variant (Variation ID: 937400). Algorithms developed to predict the effect of missense changes on protein structure and function are either unavailable or do not agree on the potential impact of this missense change (SIFT: "Tolerated"; PolyPhen-2: "Not Available"; Align-GVGD: "Class C0"). Variants that disrupt the consensus splice site are a relatively common cause of aberrant splicing (PMID: 17576681, 9536098). Algorithms developed to predict the effect of sequence changes on RNA splicing suggest that this variant may disrupt the consensus splice site. In summary, the available evidence is currently insufficient to determine the role of this variant in disease. Therefore, it has been classified as a Variant of Uncertain Significance.

Literature cited by the submitters: PubMed 17576681; PubMed 9536098.